The following is an entry in ClinVar:

ClinVar aggregate classification (germline): Uncertain significance. Review status: criteria provided, multiple submitters, no conflicts (2 of 4 stars). 3 submissions from 3 submitters: Uncertain significance (3). Last evaluated 2025-08-21.

Conditions:
Inborn genetic diseases. Identifiers: MedGen C0950123, MeSH D030342.

Allele frequency attached by ClinVar (database versions not stated): gnomAD exomes 0.00002 and 0.00004; ExAC 0.00005; TOPMed 0.00014; gnomAD 0.00019; 1000 Genomes Project 0.00040; 1000 Genomes Project 30x 0.00047.
gnomAD v4.1: 55 of 1,613,954 alleles (0.0034%); highest among the groups gnomAD compares: African/African-American, 0.059%; no homozygotes.

Submissions (3):

Ambry Genetics
Classification: Uncertain significance for Inborn genetic diseases. Last evaluated: 2025-08-21. Review status: criteria provided, single submitter. Criteria: Ambry Variant Classification Scheme 2023. Collection method: clinical testing. Allele origin: germline.

Labcorp Genetics (formerly Invitae), Labcorp
Classification: Uncertain significance. Last evaluated: 2022-03-18. Review status: criteria provided, single submitter. Criteria: Invitae Variant Classification Sherloc (09022015). Collection method: clinical testing. Allele origin: germline.
Comment: This sequence change replaces aspartic acid, which is acidic and polar, with asparagine, which is neutral and polar, at codon 1310 of the LTBP2 protein (p.Asp1310Asn). This variant is present in population databases (rs61738014, gnomAD 0.06%). This variant has not been reported in the literature in individuals affected with LTBP2-related conditions. ClinVar contains an entry for this variant (Variation ID: 288038). Algorithms developed to predict the effect of missense changes on protein structure and function output the following: SIFT: "Tolerated"; PolyPhen-2: "Benign"; Align-GVGD: "Class C0". The asparagine amino acid residue is found in multiple mammalian species, which suggests that this missense change does not adversely affect protein function. In summary, the available evidence is currently insufficient to determine the role of this variant in disease. Therefore, it has been classified as a Variant of Uncertain Significance.

Eurofins Ntd Llc (ga)
Classification: Uncertain significance. Last evaluated: 2016-06-04. Review status: criteria provided, single submitter. Criteria: EGL Classification Definitions 2015. Collection method: clinical testing. Allele origin: germline. Observed: 1 variant allele, 1 heterozygote.

NM_000428.3(LTBP2):c.3928G>A (p.Asp1310Asn)

Gene: LTBP2 (latent transforming growth factor beta binding protein 2; minus strand). Cytogenetic location: 14q24.3.
Variant type: single nucleotide variant.
Coding change: c.3928G>A on transcript NM_000428.3 (MANE Select); coding-DNA position 3928, G replaced by A.
Protein change: p.Asp1310Asn; replaces aspartic acid 1310 with asparagine.
Molecular consequence: missense variant.
Genome position (GRCh38, 1-based): chr14:74,506,803, C>T on the plus strand (G>A on the coding strand, the complement: LTBP2 is on the minus strand). VCF-style: chr14-74506803-C-T. GRCh37 (hg19) VCF-style: chr14-74973506-C-T.
Other names: c.3928G>A (NM_000428.2); short protein forms D1310N.
Identifiers: ClinVar variation 288038 (VCV000288038.7), dbSNP rs61738014, ClinGen allele CA7268939.